The following is an entry in ClinVar:

NM_012200.4(B3GAT3):c.517G>A (p.Gly173Ser)

Gene: B3GAT3 (beta-1,3-glucuronyltransferase 3; minus strand). Cytogenetic location: 11q12.3.
Variant type: single nucleotide variant.
Coding change: c.517G>A on transcript NM_012200.4 (MANE Select); coding-DNA position 517, G replaced by A.
Protein change: p.Gly173Ser; replaces glycine 173 with serine.
Molecular consequence: missense variant. On other transcripts: non-coding transcript variant (1).
Genome position (GRCh38, 1-based): chr11:62,617,088, C>T on the plus strand (G>A on the coding strand, the complement: B3GAT3 is on the minus strand). VCF-style: chr11-62617088-C-T. GRCh37 (hg19) VCF-style: chr11-62384560-C-T.
Other names: c.496G>A, p.Gly166Ser (NM_001288721.2); c.517G>A, p.Gly173Ser (NM_001288722.2, NM_001288723.2); short protein forms G166S, G173S.
Identifiers: ClinVar variation 2081130 (VCV002081130.1), dbSNP rs2496239031, ClinGen allele CA380976841.

ClinVar aggregate classification (germline): Uncertain significance (1 of 4 stars; one submission).

Conditions:
Larsen-like syndrome, B3GAT3 type. Also called: MULTIPLE JOINT DISLOCATIONS, SHORT STATURE, AND CRANIOFACIAL DYSMORPHISM WITH OR WITHOUT CONGENITAL HEART DEFECTS; Multiple joint dislocations, short stature, craniofacial dysmorphism, with or without congenital heart defects. Identifiers: Orphanet 284139, MedGen CN034159, MONDO:0009511, OMIM 245600.

Submission:

Labcorp Genetics (formerly Invitae), Labcorp
Classification: Uncertain significance for Larsen-like syndrome, B3GAT3 type. Last evaluated: 2022-07-30. Review status: criteria provided, single submitter. Criteria: Invitae Variant Classification Sherloc (09022015). Collection method: clinical testing. Allele origin: germline.
Comment: This sequence change replaces glycine, which is neutral and non-polar, with serine, which is neutral and polar, at codon 173 of the B3GAT3 protein (p.Gly173Ser). This variant is not present in population databases (gnomAD no frequency). This variant has not been reported in the literature in individuals affected with B3GAT3-related conditions. Algorithms developed to predict the effect of missense changes on protein structure and function (SIFT, PolyPhen-2, Align-GVGD) all suggest that this variant is likely to be tolerated. In summary, the available evidence is currently insufficient to determine the role of this variant in disease. Therefore, it has been classified as a Variant of Uncertain Significance.